The following is an entry in ClinVar:

NM_000520.6(HEXA):c.1145A>C (p.Lys382Thr)

Gene: HEXA (hexosaminidase subunit alpha; minus strand). Cytogenetic location: 15q23.
Variant type: single nucleotide variant.
Coding change: c.1145A>C on transcript NM_000520.6 (MANE Select); coding-DNA position 1145, A replaced by C.
Protein change: p.Lys382Thr; replaces lysine 382 with threonine.
Molecular consequence: missense variant.
Genome position (GRCh38, 1-based): chr15:72,347,687, T>G on the plus strand (A>C on the coding strand, the complement: HEXA is on the minus strand). VCF-style: chr15-72347687-T-G. GRCh37 (hg19) VCF-style: chr15-72640028-T-G.
Other names: c.1178A>C, p.Lys393Thr (NM_001318825.2); short protein forms K393T, K382T.
Identifiers: ClinVar variation 1414055 (VCV001414055.3), dbSNP rs960869164, ClinGen allele CA272610823.

ClinVar aggregate classification (germline): Uncertain significance (1 of 4 stars; one submission).

Conditions:
Tay-Sachs disease (TSD). Also called: HEXA DEFICIENCY; GM2 gangliosidosis, type 1; Hexosaminidase alpha-subunit deficiency (variant B); Sphingolipidosis, Tay-Sachs; HEXA Disorders; Hexosaminidase A Deficiency. Identifiers: Orphanet 845, MedGen C0039373, MONDO:0010100, OMIM 272800.

Allele frequency attached by ClinVar (database versions not stated): TOPMed below 0.00001; gnomAD exomes 0.00001.
gnomAD v4.1: 12 of 1,613,964 alleles (0.00074%); highest among the groups gnomAD compares: Non-Finnish European, 0.001%; no homozygotes.

Submission:

Labcorp Genetics (formerly Invitae), Labcorp
Classification: Uncertain significance for Tay-Sachs disease. Last evaluated: 2021-11-01. Review status: criteria provided, single submitter. Criteria: Invitae Variant Classification Sherloc (09022015). Collection method: clinical testing. Allele origin: germline.
Comment: This sequence change replaces lysine, which is basic and polar, with threonine, which is neutral and polar, at codon 382 of the HEXA protein (p.Lys382Thr). This variant is not present in population databases (gnomAD no frequency). This variant has not been reported in the literature in individuals affected with HEXA-related conditions. Algorithms developed to predict the effect of missense changes on protein structure and function are either unavailable or do not agree on the potential impact of this missense change (SIFT: "Deleterious"; PolyPhen-2: "Probably Damaging"; Align-GVGD: "Class C0"). In summary, the available evidence is currently insufficient to determine the role of this variant in disease. Therefore, it has been classified as a Variant of Uncertain Significance.